The following is an entry in ClinVar:

ClinVar aggregate classification (germline): Uncertain significance (1 of 4 stars; one submission).

Conditions:
Vici syndrome (VICIS). Identifiers: Orphanet 1493, MedGen C1855772, MONDO:0009452, OMIM 242840.

Submission:

Labcorp Genetics (formerly Invitae), Labcorp
Classification: Uncertain significance for Vici syndrome. Last evaluated: 2022-06-04. Review status: criteria provided, single submitter. Criteria: Invitae Variant Classification Sherloc (09022015). Collection method: clinical testing. Allele origin: germline.
Comment: ClinVar contains an entry for this variant (Variation ID: 848361). In summary, the available evidence is currently insufficient to determine the role of this variant in disease. Therefore, it has been classified as a Variant of Uncertain Significance. Algorithms developed to predict the effect of missense changes on protein structure and function are either unavailable or do not agree on the potential impact of this missense change (SIFT: "Deleterious"; PolyPhen-2: "Probably Damaging"; Align-GVGD: "Class C0"). This variant has not been reported in the literature in individuals affected with EPG5-related conditions. This variant is not present in population databases (gnomAD no frequency). This sequence change replaces glutamine, which is neutral and polar, with proline, which is neutral and non-polar, at codon 638 of the EPG5 protein (p.Gln638Pro).

NM_020964.3(EPG5):c.1913A>C (p.Gln638Pro)

Gene: EPG5 (ectopic P-granules 5 autophagy tethering factor; minus strand). Cytogenetic location: 18q21.1.
Variant type: single nucleotide variant.
Coding change: c.1913A>C on transcript NM_020964.3 (MANE Select); coding-DNA position 1913, A replaced by C.
Protein change: p.Gln638Pro; replaces glutamine 638 with proline.
Molecular consequence: missense variant.
Genome position (GRCh38, 1-based): chr18:45,943,191, T>G on the plus strand (A>C on the coding strand, the complement: EPG5 is on the minus strand). VCF-style: chr18-45943191-T-G. GRCh37 (hg19) VCF-style: chr18-43523157-T-G.
Other names: short protein forms Q638P.
Identifiers: ClinVar variation 848361 (VCV000848361.10), dbSNP rs2050708572, ClinGen allele CA402348295.